The following is an entry in ClinVar:

NM_000051.4(ATM):c.1235+1G>C

Gene: ATM (ATM serine/threonine kinase; plus strand). Cytogenetic location: 11q22.3.
Variant type: single nucleotide variant.
Coding change: c.1235+1G>C on transcript NM_000051.4 (MANE Select); the canonical splice donor site of the intron after coding-DNA position 1235, G replaced by C.
Molecular consequence: splice donor variant.
Genome position (GRCh38, 1-based): chr11:108,249,103, G>C. VCF-style: chr11-108249103-G-C. GRCh37 (hg19) VCF-style: chr11-108119830-G-C.
Other names: c.1235+1G>C (NM_001351834.2).
Identifiers: ClinVar variation 2028079 (VCV002028079.4), dbSNP rs1555069881, ClinGen allele CA382532668.

ClinVar aggregate classification (germline): Likely pathogenic (1 of 4 stars; one submission).

Conditions:
Ataxia-telangiectasia syndrome (AT). Also called: Ataxia-telangiectasia; AT, COMPLEMENTATION GROUP C; ATAXIA-TELANGIECTASIA, FRESNO VARIANT; Ataxia-telangiectasia, complementation group D; Ataxia-telangiectasia, complementation group E; LOUIS-BAR SYNDROME. Identifiers: Orphanet 100, MedGen C0004135, MONDO:0008840, OMIM 208900.

Submission:

Labcorp Genetics (formerly Invitae), Labcorp
Classification: Likely pathogenic for Ataxia-telangiectasia syndrome. Last evaluated: 2024-05-29. Review status: criteria provided, single submitter. Criteria: Invitae Variant Classification Sherloc (09022015). Collection method: clinical testing. Allele origin: germline.
Comment: This sequence change affects a donor splice site in intron 9 of the ATM gene. It is expected to disrupt RNA splicing. Variants that disrupt the donor or acceptor splice site typically lead to a loss of protein function (PMID: 16199547), and loss-of-function variants in ATM are known to be pathogenic (PMID: 23807571, 25614872). This variant is not present in population databases (gnomAD no frequency). Disruption of this splice site has been observed in individual(s) with clinical features of ATM-related conditions (PMID: 32888943). ClinVar contains an entry for this variant (Variation ID: 2028079). Algorithms developed to predict the effect of sequence changes on RNA splicing suggest that this variant may disrupt the consensus splice site. In summary, the currently available evidence indicates that the variant is pathogenic, but additional data are needed to prove that conclusively. Therefore, this variant has been classified as Likely Pathogenic.

Literature cited by the submitters: PubMed 16199547; PubMed 23807571; PubMed 25614872; PubMed 32888943.